The following is an entry in ClinVar:

ClinVar aggregate classification (germline): Conflicting classifications of pathogenicity. Review status: criteria provided, conflicting classifications (1 of 4 stars). 2 submissions from 2 submitters: Uncertain significance (1); Likely benign (1). Last evaluated 2025-01-18.

Conditions:
Cardiovascular phenotype. Identifiers: MedGen CN230736.

Submissions (2):

Mayo Clinic Laboratories, Mayo Clinic
Classification: Uncertain significance. Last evaluated: 2025-01-18. Review status: criteria provided, single submitter. Criteria: ACMG Guidelines, 2015. Collection method: clinical testing. Allele origin: germline. Observed: 1 variant allele.
Comment: BP4, PM2_supporting

Ambry Genetics
Classification: Likely benign for Cardiovascular phenotype. Last evaluated: 2025-01-06. Review status: criteria provided, single submitter. Criteria: Ambry Variant Classification Scheme 2023. Collection method: clinical testing. Allele origin: germline.

NM_018699.4(PRDM5):c.443A>G (p.Asn148Ser)

Gene: PRDM5 (PR/SET domain 5; minus strand). Cytogenetic location: 4q27.
Variant type: single nucleotide variant.
Coding change: c.443A>G on transcript NM_018699.4 (MANE Select); coding-DNA position 443, A replaced by G.
Protein change: p.Asn148Ser; replaces asparagine 148 with serine.
Molecular consequence: missense variant.
Genome position (GRCh38, 1-based): chr4:120,821,203, T>C on the plus strand (A>G on the coding strand, the complement: PRDM5 is on the minus strand). VCF-style: chr4-120821203-T-C. GRCh37 (hg19) VCF-style: chr4-121742358-T-C.
Other names: p.Asn148Ser; c.443A>G, p.Asn148Ser (NM_001300823.2, NM_001300824.2, NM_001379104.1 and 1 more transcripts); c.443A>G (NM_018699.3); short protein forms N148S.
Identifiers: ClinVar variation 3783072 (VCV003783072.2).
Genomic context (GRCh38, chr4:120,821,203, plus strand): 5'-CCCAGATCACCAATTAAAGATGCAATACCTTTTCTGCCCGCTGTTGATTGTCTTCTAGAA[T>C]TTTCAACTTCCCCTTCTTTGATGACTGTCATAATTTGCTGTTCTTCCTCCTCAGCCTCCA-3'
Protein context (NP_061169.2, residues 138-158): MTVIKEGEVE[Asn148Ser]SRRQSTAGRK